The following is an entry in ClinVar:

ClinVar aggregate classification (germline): Uncertain significance. Review status: criteria provided, multiple submitters, no conflicts (2 of 4 stars). 3 submissions from 3 submitters: Uncertain significance (2). 1 of the submissions does not count toward it. Last evaluated 2025-04-21.

Conditions:
Glycogen storage disease, type II (IOPD). Also called: Pompe Disease; Glucosidase acid-1,4-alpha deficiency; GLYCOGENOSIS, GENERALIZED, CARDIAC FORM; GSD II; POMPE DISEASE, INFANTILE-ONSET; GLYCOGEN STORAGE DISEASE II, INFANTILE-ONSET. Identifiers: Orphanet 365, MedGen C0017921, MONDO:0009290, OMIM 232300.

Allele frequency attached by ClinVar (database versions not stated): TOPMed below 0.00001; gnomAD 0.00001.

Submissions (4):

Labcorp Genetics (formerly Invitae), Labcorp
Classification: Uncertain significance for Glycogen storage disease, type II. Last evaluated: 2025-04-21. Review status: criteria provided, single submitter. Criteria: Invitae Variant Classification Sherloc (09022015). Collection method: clinical testing. Allele origin: germline.
Comment: This sequence change replaces methionine, which is neutral and non-polar, with valine, which is neutral and non-polar, at codon 172 of the GAA protein (p.Met172Val). This variant is not present in population databases (gnomAD no frequency). This variant has not been reported in the literature in individuals affected with GAA-related conditions. ClinVar contains an entry for this variant (Variation ID: 646375). Invitae Evidence Modeling of protein sequence and biophysical properties (such as structural, functional, and spatial information, amino acid conservation, physicochemical variation, residue mobility, and thermodynamic stability) indicates that this missense variant is not expected to disrupt GAA protein function with a negative predictive value of 95%. In summary, the available evidence is currently insufficient to determine the role of this variant in disease. Therefore, it has been classified as a Variant of Uncertain Significance.

Fulgent Genetics
Classification: Uncertain significance for Glycogen storage disease, type II. Last evaluated: 2021-08-20. Review status: criteria provided, single submitter. Criteria: ACMG Guidelines, 2015. Collection method: clinical testing. Allele origin: unknown.

Natera, Inc.
Classification: Uncertain significance for Glycogen storage disease type II. Last evaluated: 2020-01-17. Review status: no assertion criteria provided. Collection method: clinical testing. Allele origin: germline. Not counted in ClinVar's aggregate classification.

Dr. Peter K. Rogan Lab, Western University
No classification provided (evidence only). Condition: Sarcoma. Review status: no classification provided. Collection method: in vitro. Allele origin: not applicable. Functional consequence: retained intron. Not counted in ClinVar's aggregate classification.

NM_000152.5(GAA):c.514A>G (p.Met172Val)

Gene: GAA (alpha glucosidase; plus strand). Cytogenetic location: 17q25.3.
Variant type: single nucleotide variant.
Coding change: c.514A>G on transcript NM_000152.5 (MANE Select); coding-DNA position 514, A replaced by G.
Protein change: p.Met172Val; replaces methionine 172 with valine.
Molecular consequence: missense variant.
Genome position (GRCh38, 1-based): chr17:80,105,100, A>G. VCF-style: chr17-80105100-A-G. GRCh37 (hg19) VCF-style: chr17-78078899-A-G.
Other names: c.514A>G (NM_001079803.2, LRG_673t1); c.514A>G, p.Met172Val (NM_001079803.3, NM_001079804.3); short protein forms M172V.
Identifiers: ClinVar variation 646375 (VCV000646375.10), dbSNP rs1307823755, ClinGen allele CA401361724.